The following is an entry in ClinVar:

NM_000132.4(F8):c.6593G>A (p.Gly2198Glu)

Gene: F8 (coagulation factor VIII; minus strand). Cytogenetic location: Xq28.
Variant type: single nucleotide variant.
Coding change: c.6593G>A on transcript NM_000132.4 (MANE Select); coding-DNA position 6593, G replaced by A.
Protein change: p.Gly2198Glu; replaces glycine 2198 with glutamic acid.
Molecular consequence: missense variant.
Genome position (GRCh38, 1-based): chrX:154,861,848, C>T on the plus strand (G>A on the coding strand, the complement: F8 is on the minus strand). VCF-style: chrX-154861848-C-T. GRCh37 (hg19) VCF-style: chrX-154090123-C-T.
Other names: c.188G>A, p.Gly63Glu (NM_019863.3); short protein forms G2198E, G63E.
Identifiers: ClinVar variation 1330892 (VCV001330892.7), dbSNP rs2148567338, ClinGen allele CA414906289.

ClinVar aggregate classification (germline): Likely pathogenic (1 of 4 stars; one submission).

Conditions:
Hereditary factor VIII deficiency disease (HEMA). Also called: HEMOPHILIA, CLASSIC; AUTOSOMAL HEMOPHILIA A; Hemophilia A; Hemophilia A, congenital; HEM A; Factor 8 deficiency, congenital. Identifiers: Orphanet 98878, MedGen C0019069, MONDO:0010602, OMIM 306700.

Submission:

ARUP Laboratories, Molecular Genetics and Genomics, ARUP Laboratories
Classification: Likely pathogenic for Hereditary factor VIII deficiency disease. Last evaluated: 2021-05-12. Review status: criteria provided, single submitter. Criteria: ARUP Molecular Germline Variant Investigation Process 2021. Collection method: clinical testing. Allele origin: germline.
Comment: The F8 c.6593G>A; p.Gly2198Glu variant, also known as p.Gly2179Glu, is reported in the literature in an individual affected with severe hemophilia A (see F8 database and references therein). This variant is absent from the Genome Aggregation Database, indicating it is not a common polymorphism. Additionally, other variants at this codon (c.6592G>A, p.Gly2198Arg; c.6593G>T, p.Gly2198Val) have been reported in individuals with severe hemophilia A and are considered pathogenic (F8 database). The glycine at codon 2198 is highly conserved, and computational analyses predict that this variant is deleterious (REVEL: 0.94). Based on available information, this variant is considered to likely pathogenic. References: F8 variant database